The following is an entry in ClinVar:

ClinVar aggregate classification (germline): Uncertain significance (1 of 4 stars; one submission).

Conditions:
Alpha thalassemia-X-linked intellectual disability syndrome (ATRX). Also called: ALPHA-THALASSEMIA/MENTAL RETARDATION SYNDROME, X-LINKED; ATR, NONDELETION TYPE; ATR-X syndrome; Alpha thalassemia mental retardation syndrome, nondeletion type, X-linked; XLMR hypotonic face syndrome; X-linked alpha-thalassemia-mental retardation syndrome. Identifiers: Orphanet 847, MedGen C1845055, MONDO:0010519, OMIM 301040.

gnomAD v4.1: 2 of 1,197,556 alleles (0.00017%); highest among the groups gnomAD compares: African/African-American, 0.0036%; no homozygotes.

Submission:

Labcorp Genetics (formerly Invitae), Labcorp
Classification: Uncertain significance for Alpha thalassemia-X-linked intellectual disability syndrome. Last evaluated: 2025-07-03. Review status: criteria provided, single submitter. Criteria: Invitae Variant Classification Sherloc (09022015). Collection method: clinical testing. Allele origin: germline.
Comment: This sequence change replaces lysine, which is basic and polar, with asparagine, which is neutral and polar, at codon 993 of the ATRX protein (p.Lys993Asn). This variant is not present in population databases (gnomAD no frequency). This variant has not been reported in the literature in individuals affected with ATRX-related conditions. Invitae Evidence Modeling of protein sequence and biophysical properties (such as structural, functional, and spatial information, amino acid conservation, physicochemical variation, residue mobility, and thermodynamic stability) indicates that this missense variant is not expected to disrupt ATRX protein function with a negative predictive value of 95%. In summary, the available evidence is currently insufficient to determine the role of this variant in disease. Therefore, it has been classified as a Variant of Uncertain Significance.

NM_000489.6(ATRX):c.2979G>T (p.Lys993Asn)

Gene: ATRX (ATRX chromatin remodeler; minus strand). Cytogenetic location: Xq21.1.
Variant type: single nucleotide variant.
Coding change: c.2979G>T on transcript NM_000489.6 (MANE Select); coding-DNA position 2979, G replaced by T.
Protein change: p.Lys993Asn; replaces lysine 993 with asparagine.
Molecular consequence: missense variant.
Genome position (GRCh38, 1-based): chrX:77,682,277, C>A on the plus strand (G>T on the coding strand, the complement: ATRX is on the minus strand). VCF-style: chrX-77682277-C-A. GRCh37 (hg19) VCF-style: chrX-76937769-C-A.
Other names: c.2865G>T, p.Lys955Asn (NM_138270.5); short protein forms K993N, K955N.
Identifiers: ClinVar variation 4698791 (VCV004698791.1).